The following is an entry in ClinVar:

NM_000548.5(TSC2):c.3202A>G (p.Thr1068Ala)

Gene: TSC2 (TSC complex subunit 2; plus strand). Cytogenetic location: 16p13.3.
Variant type: single nucleotide variant.
Coding change: c.3202A>G on transcript NM_000548.5 (MANE Select); coding-DNA position 3202, A replaced by G.
Protein change: p.Thr1068Ala; replaces threonine 1068 with alanine.
Molecular consequence: missense variant. On other transcripts: non-coding transcript variant (5).
Genome position (GRCh38, 1-based): chr16:2,079,346, A>G. VCF-style: chr16-2079346-A-G. GRCh37 (hg19) VCF-style: chr16-2129347-A-G.
Other names: c.1729A>G, p.Thr577Ala (NM_001406694.1, NM_001406690.1, NM_001406692.1 and 1 more transcripts); c.3070A>G, p.Thr1024Ala (NM_001077183.3, NM_001370404.1, NM_001406665.1); c.3202A>G, p.Thr1068Ala (NM_001114382.3); c.2962A>G, p.Thr988Ala (NM_001318827.2); c.2926A>G, p.Thr976Ala (NM_001318829.2); c.2470A>G, p.Thr824Ala (NM_001318831.2, NM_001406687.1, NM_001406688.1); c.3103A>G, p.Thr1035Ala (NM_001318832.2); c.3073A>G, p.Thr1025Ala (NM_001363528.2, NM_001370405.1, NM_021055.3); and 18 more; short protein forms T1005A, T1024A, T1068A, T824A, T871A, T1019A, T1020A, T1025A.
Identifiers: ClinVar variation 3010117 (VCV003010117.3), dbSNP rs1060500947, ClinGen allele CA394285734.

ClinVar aggregate classification (germline): Uncertain significance (1 of 4 stars; one submission).

Conditions:
Tuberous sclerosis 2 (TSC2). Identifiers: Orphanet 805, MedGen C1860707, MONDO:0013199, OMIM 613254.

Submission:

Labcorp Genetics (formerly Invitae), Labcorp
Classification: Uncertain significance for Tuberous sclerosis 2. Last evaluated: 2023-10-25. Review status: criteria provided, single submitter. Criteria: Invitae Variant Classification Sherloc (09022015). Collection method: clinical testing. Allele origin: germline.
Comment: This sequence change replaces threonine, which is neutral and polar, with alanine, which is neutral and non-polar, at codon 1068 of the TSC2 protein (p.Thr1068Ala). This variant is not present in population databases (gnomAD no frequency). This variant has not been reported in the literature in individuals affected with TSC2-related conditions. Advanced modeling of protein sequence and biophysical properties (such as structural, functional, and spatial information, amino acid conservation, physicochemical variation, residue mobility, and thermodynamic stability) has been performed at Invitae for this missense variant, however the output from this modeling did not meet the statistical confidence thresholds required to predict the impact of this variant on TSC2 protein function. This variant disrupts the p.Thr1068 amino acid residue in TSC2. Other variant(s) that disrupt this residue have been determined to be pathogenic (PMID: 21309039, 21520333; Invitae). This suggests that this residue is clinically significant, and that variants that disrupt this residue are likely to be disease-causing. In summary, the available evidence is currently insufficient to determine the role of this variant in disease. Therefore, it has been classified as a Variant of Uncertain Significance.

Literature cited by the submitters: PubMed 21309039; PubMed 21520333.